The following is an entry in ClinVar:

ClinVar aggregate classification (germline): Likely pathogenic (1 of 4 stars; one submission).

Submission:

Labcorp Genetics (formerly Invitae), Labcorp
Classification: Likely pathogenic. Last evaluated: 2022-12-01. Review status: criteria provided, single submitter. Criteria: Invitae Variant Classification Sherloc (09022015). Collection method: clinical testing. Allele origin: unknown.
Comment: In summary, the currently available evidence indicates that the variant is pathogenic, but additional data are needed to prove that conclusively. Therefore, this variant has been classified as Likely Pathogenic. This variant has not been reported in the literature in individuals affected with ATR-related conditions. This variant results in a copy number gain of the genomic region encompassing exon(s) 42-45 of the ATR gene. While the exact position of this variant cannot be determined from the data, sub-genic copy number gains are generally in tandem (PMID: 25640679). This variant is predicted to be out-of-frame, and may result in an absent or disrupted protein product. Loss-of-function variants in ATR are known to be pathogenic (PMID: 21228398, 23144622).

Literature cited by the submitters: PubMed 25640679; PubMed 21228398; PubMed 23144622.

NC_000003.11:g.(?_142176426)_(142180952_?)dup

Gene: ATR (ATR serine/threonine kinase; minus strand). Cytogenetic location: 3q23.
Variant type: Duplication.
Identifiers: ClinVar variation 3246968 (VCV003246968.1).